The following is an entry in ClinVar:

ClinVar aggregate classification (germline): Conflicting classifications of pathogenicity. Review status: criteria provided, conflicting classifications (1 of 4 stars). 4 submissions from 4 submitters: Uncertain significance (1); Likely benign (2). 1 of the submissions does not count toward it. Last evaluated 2026-01-04.

Conditions:
Joubert syndrome. Also called: Familial aplasia of the vermis; JOUBERT-BOLTSHAUSER SYNDROME. Identifiers: Orphanet 475, MedGen C5979921, MONDO:0018772.
Meckel-Gruber syndrome. Also called: DYSENCEPHALIA SPLANCHNOCYSTICA; GRUBER SYNDROME; Dysencephalia splachnocystica. Identifiers: Orphanet 564, MedGen C0265215, MONDO:0018921.
MKS1-related disorder. Also called: MKS1-related condition; MKS1-related disorders. Identifiers: MedGen CN239382.

Allele frequency attached by ClinVar (database versions not stated): ExAC 0.00001; gnomAD 0.00003 and 0.00004; TOPMed 0.00006.
gnomAD v4.1: 67 of 1,613,808 alleles (0.0042%); highest among the groups gnomAD compares: Non-Finnish European, 0.0053%; no homozygotes.

Submissions (4):

Labcorp Genetics (formerly Invitae), Labcorp
Classification: Likely benign for Joubert syndrome; Meckel-Gruber syndrome. Last evaluated: 2026-01-04. Review status: criteria provided, single submitter. Criteria: Invitae Variant Classification Sherloc (09022015). Collection method: clinical testing. Allele origin: germline.

Blueprint Genetics
Classification: Likely benign. Last evaluated: 2022-09-27. Review status: criteria provided, single submitter. Criteria: ACMG Guidelines, 2015. Collection method: clinical testing. Allele origin: germline.

Eurofins Ntd Llc (ga)
Classification: Uncertain significance. Last evaluated: 2018-05-03. Review status: criteria provided, single submitter. Criteria: EGL ClinVar v180209 classification definitions. Collection method: clinical testing. Allele origin: germline. Observed: 1 variant allele, 1 heterozygote.

PreventionGenetics, part of Exact Sciences
Classification: Likely benign for MKS1-related condition. Last evaluated: 2021-11-19. Review status: no assertion criteria provided. Collection method: clinical testing. Allele origin: germline. Not counted in ClinVar's aggregate classification.
Comment: This variant is classified as likely benign based on ACMG/AMP sequence variant interpretation guidelines (Richards et al. 2015 PMID: 25741868, with internal and published modifications).

NM_017777.4(MKS1):c.1274-4G>A

Gene: MKS1 (MKS transition zone complex subunit 1; minus strand). Cytogenetic location: 17q22.
Variant type: single nucleotide variant.
Coding change: c.1274-4G>A on transcript NM_017777.4 (MANE Select); 4 bases into the intron before coding-DNA position 1274, G replaced by A.
Molecular consequence: intron variant.
Genome position (GRCh38, 1-based): chr17:58,207,222, C>T on the plus strand (G>A on the coding strand, the complement: MKS1 is on the minus strand). VCF-style: chr17-58207222-C-T. GRCh37 (hg19) VCF-style: chr17-56284583-C-T.
Other names: c.1274-4G>A (NM_017777.3, NM_001321269.2); c.665-4G>A (NM_001321268.2); c.1273+672G>A (NM_001330397.2).
Identifiers: ClinVar variation 597071 (VCV000597071.17), dbSNP rs377033778, ClinGen allele CA8669177.
Genomic context (GRCh38, chr17:58,207,222, plus strand): 5'-CAGCCACCGTGCCAAGCTCCACAGGTCTCCACGTGGAGACTGTCAGGGTGTGTGAGCCTG[C>T]GCAAGGGAAGAGAAGACTGGGGCCAGGTCCAGAAAGGGCATGTGGCCCCTCACTGACTCC-3'